The following is an entry in ClinVar:

ClinVar aggregate classification (germline): Uncertain significance (1 of 4 stars; one submission).

Allele frequency attached by ClinVar (database versions not stated): gnomAD exomes below 0.00001.

Submission:

Ambry Genetics
Classification: Uncertain significance. Last evaluated: 2025-04-10. Review status: criteria provided, single submitter. Criteria: Ambry Variant Classification Scheme 2023. Collection method: clinical testing. Allele origin: germline.
Comment: The p.F757L variant (also known as c.2271T>A), located in coding exon 1 of the MLH3 gene, results from a T to A substitution at nucleotide position 2271. The phenylalanine at codon 757 is replaced by leucine, an amino acid with highly similar properties. This amino acid position is conserved. In addition, this alteration is predicted to be tolerated by in silico analysis. Since supporting evidence is limited at this time, the clinical significance of this alteration remains unclear.

NM_001040108.2(MLH3):c.2271T>A (p.Phe757Leu)

Gene: MLH3 (mutL homolog 3; minus strand). Cytogenetic location: 14q24.3.
Variant type: single nucleotide variant.
Coding change: c.2271T>A on transcript NM_001040108.2 (MANE Select); coding-DNA position 2271, T replaced by A.
Protein change: p.Phe757Leu; replaces phenylalanine 757 with leucine.
Molecular consequence: missense variant.
Genome position (GRCh38, 1-based): chr14:75,047,385, A>T on the plus strand (T>A on the coding strand, the complement: MLH3 is on the minus strand). VCF-style: chr14-75047385-A-T. GRCh37 (hg19) VCF-style: chr14-75514088-A-T.
Other names: c.2271T>A, p.Phe757Leu (NM_014381.3); short protein forms F757L.
Identifiers: ClinVar variation 1788797 (VCV001788797.4), dbSNP rs1360846783, ClinGen allele CA390441070.